The following is an entry in ClinVar:

NM_000197.2(HSD17B3):c.454-2A>G

Genes: HSD17B3 (hydroxysteroid 17-beta dehydrogenase 3; minus strand), HSD17B3-AS1 (HSD17B3 antisense RNA 1; plus strand), SLC35D2-HSD17B3 (SLC35D2-HSD17B3 readthrough; minus strand). Cytogenetic location: 9q22.32.
Variant type: single nucleotide variant.
Coding change: c.454-2A>G on transcript NM_000197.2 (MANE Select); the canonical splice acceptor site of the intron before coding-DNA position 454, A replaced by G.
Molecular consequence: splice acceptor variant. On other transcripts: non-coding transcript variant (1).
Genome position (GRCh38, 1-based): chr9:96,249,788, T>C on the plus strand (A>G on the coding strand, the complement: HSD17B3 is on the minus strand). VCF-style: chr9-96249788-T-C. GRCh37 (hg19) VCF-style: chr9-99012070-T-C.
Identifiers: ClinVar variation 2766938 (VCV002766938.3), dbSNP rs2490077056, ClinGen allele CA374125021.

ClinVar aggregate classification (germline): Likely pathogenic (1 of 4 stars; one submission).

Submission:

Labcorp Genetics (formerly Invitae), Labcorp
Classification: Likely pathogenic. Last evaluated: 2023-10-08. Review status: criteria provided, single submitter. Criteria: Invitae Variant Classification Sherloc (09022015). Collection method: clinical testing. Allele origin: germline.
Comment: This sequence change affects an acceptor splice site in intron 5 of the HSD17B3 gene. It is expected to disrupt RNA splicing. Variants that disrupt the donor or acceptor splice site typically lead to a loss of protein function (PMID: 16199547), and loss-of-function variants in HSD17B3 are known to be pathogenic (PMID: 23796702, 25740850). This variant is not present in population databases (gnomAD no frequency). This variant has not been reported in the literature in individuals affected with HSD17B3-related conditions. Algorithms developed to predict the effect of sequence changes on RNA splicing suggest that this variant may disrupt the consensus splice site. In summary, the currently available evidence indicates that the variant is pathogenic, but additional data are needed to prove that conclusively. Therefore, this variant has been classified as Likely Pathogenic.

Literature cited by the submitters: PubMed 16199547; PubMed 23796702; PubMed 25740850.